The following is an entry in ClinVar:

NM_001035.3(RYR2):c.11934G>A (p.Met3978Ile)

Gene: RYR2 (ryanodine receptor 2; plus strand). Cytogenetic location: 1q43.
Variant type: single nucleotide variant.
Coding change: c.11934G>A on transcript NM_001035.3 (MANE Select); coding-DNA position 11934, G replaced by A.
Protein change: p.Met3978Ile; replaces methionine 3978 with isoleucine.
Molecular consequence: missense variant.
Genome position (GRCh38, 1-based): chr1:237,781,618, G>A. VCF-style: chr1-237781618-G-A. GRCh37 (hg19) VCF-style: chr1-237944918-G-A.
Other names: p.M3978I:ATG>ATA; c.11934G>A, p.Met3978Ile (LRG_402t1); short protein forms M3978I.
Identifiers: ClinVar variation 201398 (VCV000201398.5), dbSNP rs794728826, ClinGen allele CA007229.
Genomic context (GRCh38, chr1:237,781,618, plus strand): 5'-TTTTCAGGATTCCAGTCAAATTGAGCTATTAAAAGAATTAATGGATCTGCAGAAGGATAT[G>A]GTGGTCATGTTGCTGTCCATGTTAGAAGGTAGTTTTGATTTATACTTTTAAATTCTCTTT-3'
Protein context (NP_001026.2, residues 3968-3988): LKELMDLQKD[Met3978Ile]VVMLLSMLEG

ClinVar aggregate classification (germline): Pathogenic/Likely pathogenic. Review status: criteria provided, multiple submitters, no conflicts (2 of 4 stars). 2 submissions from 2 submitters: Pathogenic (1); Likely pathogenic (1). Last evaluated 2019-05-17.

Conditions:
Cardiomyopathy (CMYO). Also called: Cardiomyopathies. Identifiers: Orphanet 167848, MedGen C0878544, MONDO:0004994, HP:0001638. Inheritance: Various modes of inheritance.

Submissions (2):

CHEO Genetics Diagnostic Laboratory, Children's Hospital of Eastern Ontario
Classification: Likely pathogenic for Cardiomyopathy. Last evaluated: 2019-05-17. Review status: criteria provided, single submitter. Criteria: ACMG Guidelines, 2015. Collection method: clinical testing. Allele origin: germline. Study: Canadian Open Genetics Repository.

GeneDx
Classification: Pathogenic. Last evaluated: 2011-11-28. Review status: criteria provided, single submitter. Criteria: GeneDx Variant Classification (06012015). Collection method: clinical testing. Allele origin: germline. Affected: yes.
Comment: This mutation is denoted p.Met3978Ile (M3978I) at the protein level and c.11934 G>A at the cDNA level. Met3978Ile results in a conservative amino acid substitution, however this residue is highly conserved across mammalian species. Met3978Ile is located in the channel region mutation hot spot within the RYR2 gene and a mutation in nearby codon (Asp3977Tyr) has been reported in association with CPVT, further supporting the functional importance of this region of the protein (Medeiros-Domingo A et al., 2009). The Met3978Ile mutation was not detected in up to 200 alleles from control individuals of African American ancestry tested at GeneDx, indicating it is not a common benign variant in this population. In addition, the NHLBI ESP Exome Variant reports that the Met3978Ile mutation was not detected in at least 3,531 individuals of Caucasians and African American backgrounds. The variant is found in CPVT panel(s).